The following is an entry in ClinVar:

NM_007294.4(BRCA1):c.4403A>G (p.Asn1468Ser)

Gene: BRCA1 (BRCA1 DNA repair associated; minus strand). Cytogenetic location: 17q21.31.
Variant type: single nucleotide variant.
Coding change: c.4403A>G on transcript NM_007294.4 (MANE Select); coding-DNA position 4403, A replaced by G.
Protein change: p.Asn1468Ser; replaces asparagine 1468 with serine.
Molecular consequence: missense variant. On other transcripts: intron variant (3).
Genome position (GRCh38, 1-based): chr17:43,076,569, T>C on the plus strand (A>G on the coding strand, the complement: BRCA1 is on the minus strand). VCF-style: chr17-43076569-T-C. GRCh37 (hg19) VCF-style: chr17-41228586-T-C.
Other names: c.1091A>G, p.Asn364Ser (NM_001407979.1, NM_001407980.1, NM_001407981.1 and 12 more transcripts); c.1088A>G, p.Asn363Ser (NM_001408402.1, NM_001408403.1, NM_001408404.1 and 8 more transcripts); c.1085A>G, p.Asn362Ser (NM_001408406.1, NM_001408407.1, NM_001408408.1); c.1082A>G, p.Asn361Ser (NM_001408409.1); c.1019A>G, p.Asn340Ser (NM_001408410.1); c.1016A>G, p.Asn339Ser (NM_001408411.1); c.1013A>G, p.Asn338Ser (NM_001408412.1, NM_001408413.1, NM_001408414.1 and 2 more transcripts); c.974A>G, p.Asn325Ser (NM_001408423.1, NM_001408424.1, NM_001408421.1 and 1 more transcripts); and 71 more; short protein forms N1171S, N1172S, N1299S, N1339S, N1340S, N1341S, N1355S, N1356S.
Identifiers: ClinVar variation 4800829 (VCV004800829.2).

ClinVar aggregate classification (germline): Conflicting classifications of pathogenicity. Review status: criteria provided, conflicting classifications (1 of 4 stars). 2 submissions from 2 submitters: Uncertain significance (1); Likely benign (1). Last evaluated 2026-05-01.

Conditions:
Breast-ovarian cancer, familial, susceptibility to, 1 (BROVCA1). Also called: OVARIAN CANCER, SUSCEPTIBILITY TO; BRCA1 Hereditary Breast and Ovarian Cancer. Identifiers: Orphanet 145, MedGen C2676676, MONDO:0011450, OMIM 604370. Disease mechanism: loss of function.
Hereditary breast ovarian cancer syndrome. Also called: Hereditary breast and ovarian cancer syndrome; Hereditary breast and ovarian cancer; Hereditary breast and ovarian cancer syndrome (HBOC); Breast and ovarian cancer; Hereditary breast and/or ovarian cancer syndrome; BRCA1- and BRCA2-Associated Hereditary Breast and Ovarian Cancer. Identifiers: Orphanet 145, MedGen C0677776, MeSH D061325, MONDO:0003582. Disease mechanism: loss of function.

gnomAD v4.1: 3 of 1,613,760 alleles (0.00019%); highest among the groups gnomAD compares: South Asian, 0.0033%; no homozygotes.

Submissions (2):

Cancer Bioinformatics and Tumour Evolution Laboratory, Monash University
Classification: Likely benign for Breast-ovarian cancer, familial, susceptibility to, 1. Last evaluated: 2026-05-01. Review status: criteria provided, single submitter. Criteria: ClinGen BRCA1 and BRCA2 Guidelines, 2024. Collection method: curation. Allele origin: germline. Inheritance: Autosomal dominant inheritance.
Comment: Missense variant outside of a functional domain with no splice impact. BRCA1 and BRCA2 VCEP guidelines recommend application of BP1_Strong (PMID: 39142283)

Labcorp Genetics (formerly Invitae), Labcorp
Classification: Uncertain significance for Hereditary breast ovarian cancer syndrome. Last evaluated: 2025-02-17. Review status: criteria provided, single submitter. Criteria: Invitae Variant Classification Sherloc (09022015). Collection method: clinical testing. Allele origin: germline.
Comment: This sequence change replaces asparagine, which is neutral and polar, with serine, which is neutral and polar, at codon 1468 of the BRCA1 protein (p.Asn1468Ser). This variant is present in population databases (rs778707598, gnomAD 0.003%). This variant has not been reported in the literature in individuals affected with BRCA1-related conditions. Invitae Evidence Modeling of protein sequence and biophysical properties (such as structural, functional, and spatial information, amino acid conservation, physicochemical variation, residue mobility, and thermodynamic stability) indicates that this missense variant is not expected to disrupt BRCA1 protein function with a negative predictive value of 95%. In summary, the available evidence is currently insufficient to determine the role of this variant in disease. Therefore, it has been classified as a Variant of Uncertain Significance.